The following is an entry in ClinVar:

NM_177438.3(DICER1):c.4318G>A (p.Asp1440Asn)

Gene: DICER1 (dicer 1, ribonuclease III; minus strand). Cytogenetic location: 14q32.13.
Variant type: single nucleotide variant.
Coding change: c.4318G>A on transcript NM_177438.3 (MANE Select); coding-DNA position 4318, G replaced by A.
Protein change: p.Asp1440Asn; replaces aspartic acid 1440 with asparagine.
Molecular consequence: missense variant. On other transcripts: non-coding transcript variant (6).
Genome position (GRCh38, 1-based): chr14:95,096,602, C>T on the plus strand (G>A on the coding strand, the complement: DICER1 is on the minus strand). VCF-style: chr14-95096602-C-T. GRCh37 (hg19) VCF-style: chr14-95562939-C-T.
Other names: c.4318G>A, p.Asp1440Asn (NM_001195573.1, NM_001271282.3, NM_001291628.2 and 12 more transcripts); c.4036G>A, p.Asp1346Asn (NM_001395686.1); c.3913G>A, p.Asp1305Asn (NM_001395687.1, NM_001395688.1, NM_001395689.1 and 2 more transcripts); c.3751G>A, p.Asp1251Asn (NM_001395691.1); c.2635G>A, p.Asp879Asn (NM_001395697.1); short protein forms D879N, D1346N, D1251N, D1305N, D1440N.
Identifiers: ClinVar variation 4636781 (VCV004636781.1).
Genomic context (GRCh38, chr14:95,096,602, plus strand): 5'-ACCCCATTAACATATTATCTATAAATCTGATATGTTCCTGATCATACTCCAGGAAATCAT[C>T]TTCATAGTCAGCCTCTTCCTTCGGAGCCCTCCACATCAGGCTCTCCTCCTCCTCATCCTC-3'
Protein context (NP_803187.1, residues 1430-1450): RAPKEEADYE[Asp1440Asn]DFLEYDQEHI

ClinVar aggregate classification (germline): Uncertain significance (1 of 4 stars; one submission).

Conditions:
Hereditary cancer-predisposing syndrome. Also called: Neoplastic Syndromes, Hereditary; Tumor predisposition; Hereditary Cancer Syndrome; Hereditary neoplastic syndrome. Identifiers: Orphanet 140162, MedGen C0027672, MeSH D009386, MONDO:0015356.

Submission:

Ambry Genetics
Classification: Uncertain significance for Hereditary cancer-predisposing syndrome. Last evaluated: 2025-09-17. Review status: criteria provided, single submitter. Criteria: Ambry Variant Classification Scheme 2023. Collection method: clinical testing. Allele origin: germline.
Comment: The p.D1440N variant (also known as c.4318G>A), located in coding exon 22 of the DICER1 gene, results from a G to A substitution at nucleotide position 4318. The aspartic acid at codon 1440 is replaced by asparagine, an amino acid with highly similar properties. This amino acid position is conserved. In addition, the in silico prediction for this alteration is inconclusive. Based on the available evidence, the clinical significance of this variant remains unclear.